The following is an entry in ClinVar:

NM_004667.6(HERC2):c.9832-9C>T

Gene: HERC2 (HECT and RLD domain containing E3 ubiquitin protein ligase 2; minus strand). Cytogenetic location: 15q13.1.
Variant type: single nucleotide variant.
Coding change: c.9832-9C>T on transcript NM_004667.6 (MANE Select); 9 bases into the intron before coding-DNA position 9832, C replaced by T.
Molecular consequence: intron variant.
Genome position (GRCh38, 1-based): chr15:28,174,629, G>A on the plus strand (C>T on the coding strand, the complement: HERC2 is on the minus strand). VCF-style: chr15-28174629-G-A. GRCh37 (hg19) VCF-style: chr15-28419775-G-A.
Identifiers: ClinVar variation 3040961 (VCV003040961.2), dbSNP rs762025924, ClinGen allele CA7441034.

ClinVar aggregate classification (germline): Likely benign (0 of 4 stars; one submission).

Conditions:
HERC2-related disorder. Also called: HERC2-related condition.

Allele frequency attached by ClinVar (database versions not stated): gnomAD exomes 0.00007; gnomAD 0.00008; ExAC 0.00014; TOPMed 0.00014; 1000 Genomes Project 30x 0.00031.
gnomAD v4.1: 111 of 1,539,208 alleles (0.0072%); highest among the groups gnomAD compares: East Asian, 0.031%; no homozygotes.

Submission:

PreventionGenetics, part of Exact Sciences
Classification: Likely benign for HERC2-related condition. Last evaluated: 2019-09-23. Review status: no assertion criteria provided. Collection method: clinical testing. Allele origin: germline.
Comment: This variant is classified as likely benign based on ACMG/AMP sequence variant interpretation guidelines (Richards et al. 2015 PMID: 25741868, with internal and published modifications).